The following is an entry in ClinVar:

ClinVar aggregate classification (germline): Uncertain significance (1 of 4 stars; one submission).

Conditions:
Inborn genetic diseases. Identifiers: MedGen C0950123, MeSH D030342.

gnomAD v4.1: 1 of 1,614,166 alleles (0.000062%); highest among the groups gnomAD compares: Non-Finnish European, 0.000085%; no homozygotes.

Submission:

Ambry Genetics
Classification: Uncertain significance for Inborn genetic diseases. Last evaluated: 2024-12-16. Review status: criteria provided, single submitter. Criteria: Ambry Variant Classification Scheme 2023. Collection method: clinical testing. Allele origin: germline.
Comment: The p.K800T variant (also known as c.2399A>C), located in coding exon 8 of the MECOM gene, results from an A to C substitution at nucleotide position 2399. The lysine at codon 800 is replaced by threonine, an amino acid with similar properties. This amino acid position is conserved. In addition, this alteration is predicted to be tolerated by in silico analysis. Based on the available evidence, the clinical significance of this variant remains unclear.

NM_004991.4(MECOM):c.2399A>C (p.Lys800Thr)

Gene: MECOM (MDS1 and EVI1 complex locus; minus strand). Cytogenetic location: 3q26.2.
Variant type: single nucleotide variant.
Coding change: c.2399A>C on transcript NM_004991.4 (MANE Select); coding-DNA position 2399, A replaced by C.
Protein change: p.Lys800Thr; replaces lysine 800 with threonine.
Molecular consequence: missense variant.
Genome position (GRCh38, 1-based): chr3:169,115,473, T>G on the plus strand (A>C on the coding strand, the complement: MECOM is on the minus strand). VCF-style: chr3-169115473-T-G. GRCh37 (hg19) VCF-style: chr3-168833261-T-G.
Other names: c.2030A>C, p.Lys677Thr (NM_001105077.4); c.1835A>C, p.Lys612Thr (NM_001105078.4, NM_001164000.2, NM_001205194.2 and 4 more transcripts); c.1838A>C, p.Lys613Thr (NM_001163999.2, NM_001366467.2, NM_001366468.2 and 1 more transcripts); c.2399A>C, p.Lys800Thr (NM_001366466.2); c.1427A>C, p.Lys476Thr (NM_001366473.2); c.863A>C, p.Lys288Thr (NM_001366474.2); short protein forms K288T, K476T, K612T, K613T, K677T, K800T.
Identifiers: ClinVar variation 3871617 (VCV003871617.1).
Genomic context (GRCh38, chr3:169,115,473, plus strand): 5'-GGTCTTGCATGCTGCAAGGAACCATCTGAAGCAGGTCTTGATTCGACGTTGCTTCCTTTT[T>G]TTCCCCCAAACACGTGGTTTTTTCGAGGCTCAGTCAGCTTTGTCCCACTGGCTCTACTCC-3'
Protein context (NP_004982.2, residues 790-810): EPRKNHVFGG[Lys800Thr]KGSNVESRPA